The following is an entry in ClinVar:

ClinVar aggregate classification (germline): Likely pathogenic (1 of 4 stars; one submission).

Conditions:
Fabry disease. Also called: ALPHA-GALACTOSIDASE A DEFICIENCY; ANDERSON-FABRY DISEASE; CERAMIDE TRIHEXOSIDASE DEFICIENCY; GLA DEFICIENCY; HEREDITARY DYSTOPIC LIPIDOSIS; Angiokeratoma corporis diffusum. Identifiers: Orphanet 324, MedGen C0002986, MONDO:0010526, OMIM 301500, HP:0001071. Disease mechanism: Fabry disease is due to inactivating mutations in the X-linked GLA gene resulting in deficiency of the enzyme Alpha Galactosidase-A., loss of function.

Submission:

Genomenon, Inc
Classification: Likely pathogenic for Fabry disease. Last evaluated: 2026-09-08. Review status: criteria provided, single submitter. Criteria: Genomenon Sequence Variant Interpretation Standards - Updated. Collection method: curation. Allele origin: germline. Affected: yes.
Comment: GLA p.Asn355Lys (c.1065C>A) is a missense variant that changes the amino acid at codon 355 from Asparagine to Lysine. This variant has been observed in at least one proband with clinical features consistent with Fabry disease (PMID:33072516;36383556;12428061;30594474;25974833). At least one functional study has demonstrated a substantial alteration in protein function relative to the wild-type (PMID:27657681). It is absent or not present at a significant frequency in gnomAD. In silico models predict that this variant is possibly or probably damaging. In conclusion, we classify GLA p.Asn355Lys (c.1065C>A) as a likely pathogenic variant.

Literature cited by the submitters: PubMed 33072516; PubMed 36383556; PubMed 12428061; PubMed 30594474; PubMed 25974833; PubMed 27657681.

NM_000169.3(GLA):c.1065C>A (p.Asn355Lys)

Genes: GLA (galactosidase alpha; minus strand), RPL36A-HNRNPH2 (RPL36A-HNRNPH2 readthrough; plus strand). Cytogenetic location: Xq22.1.
Variant type: single nucleotide variant.
Coding change: c.1065C>A on transcript NM_000169.3 (MANE Select); coding-DNA position 1065, C replaced by A.
Protein change: p.Asn355Lys; replaces asparagine 355 with lysine.
Molecular consequence: missense variant. On other transcripts: non-coding transcript variant (3), intron variant (2).
Genome position (GRCh38, 1-based): chrX:101,398,034, G>T on the plus strand (C>A on the coding strand, the complement: GLA is on the minus strand). VCF-style: chrX-101398034-G-T. GRCh37 (hg19) VCF-style: chrX-100653022-G-T.
Other names: c.1188C>A, p.Asn396Lys (NM_001406747.1); c.300+2577G>T (NM_001199973.2); c.177+6212G>T (NM_001199974.2); short protein forms N355K, N396K.
Identifiers: ClinVar variation 4087629 (VCV004087629.2).